The following is an entry in ClinVar:

NM_014363.6(SACS):c.3768C>T (p.Tyr1256=)

Gene: SACS (sacsin molecular chaperone; minus strand). Cytogenetic location: 13q12.12.
Variant type: single nucleotide variant.
Coding change: c.3768C>T on transcript NM_014363.6 (MANE Select); coding-DNA position 3768, C replaced by T.
Protein change: p.Tyr1256=; no amino-acid change (tyrosine 1256 retained).
Molecular consequence: synonymous variant.
Genome position (GRCh38, 1-based): chr13:23,340,108, G>A on the plus strand (C>T on the coding strand, the complement: SACS is on the minus strand). VCF-style: chr13-23340108-G-A. GRCh37 (hg19) VCF-style: chr13-23914247-G-A.
Other names: c.3327C>T, p.Tyr1109= (NM_001278055.2).
Identifiers: ClinVar variation 696540 (VCV000696540.11), dbSNP rs200350631, ClinGen allele CA6911477.

ClinVar aggregate classification (germline): Likely benign. Review status: criteria provided, multiple submitters, no conflicts (2 of 4 stars). 3 submissions from 3 submitters: Likely benign (2). 1 of the submissions does not count toward it. Last evaluated 2026-03-26.

Conditions:
SACS-related disorder. Also called: SACS-related condition.
Charlevoix-Saguenay spastic ataxia (SACS). Also called: SPASTIC ATAXIA 6, AUTOSOMAL RECESSIVE; AUTOSOMAL RECESSIVE SPASTIC ATAXIA OF CHARLEVOIX-SAGUENAY; Spastic ataxia of Charlevoix-Saguenay. Identifiers: Orphanet 98, MedGen C1849140, MONDO:0010041, OMIM 270550.
Spastic paraplegia. Identifiers: MedGen C0037772, HP:0001258.

Allele frequency attached by ClinVar (database versions not stated): gnomAD exomes 0.00001 and 0.00003; ExAC 0.00003; TOPMed 0.00004; gnomAD 0.00006.
gnomAD v4.1: 33 of 1,613,652 alleles (0.002%); highest among the groups gnomAD compares: South Asian, 0.0088%; no homozygotes.

Submissions (3):

PreventionGenetics, part of Exact Sciences
Classification: Likely benign for SACS-related condition. Last evaluated: 2026-03-26. Review status: criteria provided, single submitter. Criteria: ACMG Guidelines, 2015. Collection method: clinical testing. Allele origin: germline.
Comment: This variant is classified as likely benign based on ACMG/AMP sequence variant interpretation guidelines (Richards et al. 2015 PMID: 25741868, with internal and published modifications).

Labcorp Genetics (formerly Invitae), Labcorp
Classification: Likely benign for Spastic paraplegia. Last evaluated: 2025-12-16. Review status: criteria provided, single submitter. Criteria: Invitae Variant Classification Sherloc (09022015). Collection method: clinical testing. Allele origin: germline.

Natera, Inc.
Classification: Uncertain significance for Charlevoix-Saguenay type spastic ataxia. Last evaluated: 2020-02-13. Review status: no assertion criteria provided. Collection method: clinical testing. Allele origin: germline. Not counted in ClinVar's aggregate classification.